The following is an entry in ClinVar:

NM_152618.3(BBS12):c.1055A>C (p.Gln352Pro)

Gene: BBS12 (Bardet-Biedl syndrome 12; plus strand). Cytogenetic location: 4q27.
Variant type: single nucleotide variant.
Coding change: c.1055A>C on transcript NM_152618.3 (MANE Select); coding-DNA position 1055, A replaced by C.
Protein change: p.Gln352Pro; replaces glutamine 352 with proline.
Molecular consequence: missense variant.
Genome position (GRCh38, 1-based): chr4:122,742,947, A>C. VCF-style: chr4-122742947-A-C. GRCh37 (hg19) VCF-style: chr4-123664102-A-C.
Other names: NP_689831.2:p.(Gln352Pro); c.1055A>C, p.Gln352Pro (NM_001178007.2); short protein forms Q352P.
Identifiers: ClinVar variation 560429 (VCV000560429.14), dbSNP rs767068756, ClinGen allele CA3069364.

ClinVar aggregate classification (germline): Conflicting classifications of pathogenicity. Review status: criteria provided, conflicting classifications (1 of 4 stars). 8 submissions from 8 submitters: Likely pathogenic (3); Uncertain significance (3). 2 of the submissions do not count toward it. Last evaluated 2026-04-28.

Conditions:
Retinal dystrophy. Also called: Inherited retinal dystrophy. Identifiers: Orphanet 71862, MedGen C0854723, MeSH D058499, MONDO:0019118, HP:0000556.
Bardet-Biedl syndrome 12 (BBS12). Identifiers: Orphanet 110, MedGen C1859570, MONDO:0014440, OMIM 615989.
Bardet-Biedl syndrome (BBS). Identifiers: Orphanet 110, MedGen C0752166, MONDO:0015229.

Allele frequency attached by ClinVar (database versions not stated): gnomAD exomes 0.00005.
gnomAD v4.1: 45 of 1,614,238 alleles (0.0028%); highest among the groups gnomAD compares: South Asian, 0.048%; no homozygotes.

Submissions (8):

Wales Gene Park, Division Of Cancer and Genetics, Cardiff University
Classification: Likely pathogenic for Bardet-Biedl syndrome 12. Last evaluated: 2026-04-28. Review status: criteria provided, single submitter. Criteria: ACGS Best Practice Guidelines for Variant Classification in Rare Disease 2024. Collection method: research. Allele origin: biparental. Inheritance: Autosomal recessive inheritance. Affected: yes. Study: 100,000 Genomes Project (Wales).
Comment: Homozygous missense variant in BBS12 c.1055A>C, p.(Gln352Pro) detected by trio genome sequencing. Present at low frequency in gnomAD v4.1.1 (44/91080 alleles in the South Asian ancestry group, no homozygotes). REVEL score neutral 0.487. The variant has previously been classified as likely pathogenic using PM2 and PM3_strong. We note the SVI Recommendation for in trans Criterion (PM3) - Version 1.0 recommeds applying PM3 at a maximum of moderate for homozygous occurrences. However, this variant has been reported in multiple affected homozygotes in the literature (PMIDs 28224992, 30614526, 40180963) and in ClinVar. In addition, Asghar et al Molecular Vision 2025; 31:69-83 < > reported "perfect segregation of this variant with phenotype in two affected and one control member of family RP157". We considered applying PP4 as our proband had phenotypic features specific to Bardet-Biedl syndrome (retinitis pigmentosa and postaxial foot polydactyly) and PM1 at a supporting level as the variant is located in the TCP-1/cpn60 domain where other pathogenic missense are located.

First Genomix Gene Laboratory, Genetic Diagnostics Department
Classification: Likely pathogenic for Bardet-Biedl syndrome 12. Last evaluated: 2025-06-25. Review status: criteria provided, single submitter. Criteria: ACMG Guidelines, 2015. Collection method: clinical testing. Allele origin: germline. Inheritance: Autosomal recessive inheritance. Affected: no. Observed: 1 variant allele.

Ophthalmic Genetics Group, Institute of Molecular and Clinical Ophthalmology Basel
Classification: Likely pathogenic for Retinal dystrophy. Last evaluated: 2024-05-27. Review status: criteria provided, single submitter. Criteria: ACMG Guidelines, 2015. Collection method: research. Allele origin: germline. Affected: yes. Observed: 2 variant alleles.
Comment: This variant was classified as Likely pathogenic based on ACMG criteria: PM2_mod, PM3_strong

Blueprint Genetics
Classification: Uncertain significance. Last evaluated: 2022-08-31. Review status: criteria provided, single submitter. Criteria: ACMG Guidelines, 2015. Collection method: clinical testing. Allele origin: germline.

Labcorp Genetics (formerly Invitae), Labcorp
Classification: Uncertain significance for Bardet-Biedl syndrome. Last evaluated: 2022-07-06. Review status: criteria provided, single submitter. Criteria: Invitae Variant Classification Sherloc (09022015). Collection method: clinical testing. Allele origin: germline.
Comment: This sequence change replaces glutamine, which is neutral and polar, with proline, which is neutral and non-polar, at codon 352 of the BBS12 protein (p.Gln352Pro). This variant is present in population databases (rs767068756, gnomAD 0.04%). This missense change has been observed in individual(s) with clinical features of Bardet-Biedl syndrome (PMID: 30614526). ClinVar contains an entry for this variant (Variation ID: 560429). Algorithms developed to predict the effect of missense changes on protein structure and function are either unavailable or do not agree on the potential impact of this missense change (SIFT: "Deleterious"; PolyPhen-2: "Probably Damaging"; Align-GVGD: "Class C15"). In summary, the available evidence is currently insufficient to determine the role of this variant in disease. Therefore, it has been classified as a Variant of Uncertain Significance.

Women's Health and Genetics/Laboratory Corporation of America, LabCorp
Classification: Uncertain significance. Last evaluated: 2021-04-12. Review status: criteria provided, single submitter. Criteria: LabCorp Variant Classification Summary - May 2015. Collection method: clinical testing. Allele origin: germline.
Comment: Variant summary: BBS12 c.1055A>C (p.Gln352Pro) results in a non-conservative amino acid change in the encoded protein sequence. Four of five in-silico tools predict a damaging effect of the variant on protein function. The variant allele was found at a frequency of 4.8e-05 in 251302 control chromosomes, predominantly at a frequency of 0.00039 within the South Asian subpopulation in the gnomAD database. This frequency is somewhat lower than the maximum expected for a pathogenic variant in BBS12 causing Bardet-Biedl Syndrome (0.00076), allowing no conclusion about variant significance. The variant, c.1055A>C, has been reported in the literature in at least two apparently homozygous individuals with clinical features of Bardet-Biedl syndrome (Haer-Wigman_2017, Mary_2019). These data indicate that the variant maybe associated with disease. To our knowledge, no experimental evidence demonstrating an impact on protein function has been reported. Three other submitters have provided clinical-significance assessments for this variant in ClinVar after 2014 without evidence for independent evaluation, and classified the variant as pathogenic (n=1) or VUS (n=2). Based on the evidence outlined above, the variant was classified as VUS-possibly pathogenic.

Laboratory of Medical Genetics (UMR_S 1112), INSERM/Strasbourg University
Classification: Pathogenic for Bardet-Biedl syndrome. Last evaluated: 2018-09-15. Review status: no assertion criteria provided. Collection method: provider interpretation. Allele origin: germline. Affected: yes. Study: French fetal BBS cohort. Not counted in ClinVar's aggregate classification.

Joint Genome Diagnostic Labs from Nijmegen and Maastricht, Radboudumc and MUMC+
Classification: Uncertain significance for Bardet-Biedl syndrome 12. Last evaluated: 2016-09-01. Review status: no assertion criteria provided. Collection method: clinical testing. Allele origin: unknown. Affected: yes. Observed: 1 variant allele. Not counted in ClinVar's aggregate classification.

Literature cited by the submitters: PubMed 28224992 (cited by Wales Gene Park, Division Of Cancer and Genetics, Cardiff University and Women's Health and Genetics/Laboratory Corporation of America, LabCorp); PubMed 30614526 (cited by 4 submitters); PubMed 40180963 (cited by Wales Gene Park, Division Of Cancer and Genetics, Cardiff University and Ophthalmic Genetics Group, Institute of Molecular and Clinical Ophthalmology Basel).